The following is an entry in ClinVar:

NM_001164665.2(KIAA1549):c.3740A>T (p.Asp1247Val)

Gene: KIAA1549 (KIAA1549; minus strand). Cytogenetic location: 7q34.
Variant type: single nucleotide variant.
Coding change: c.3740A>T on transcript NM_001164665.2 (MANE Select); coding-DNA position 3740, A replaced by T.
Protein change: p.Asp1247Val; replaces aspartic acid 1247 with valine.
Molecular consequence: missense variant.
Genome position (GRCh38, 1-based): chr7:138,899,062, T>A on the plus strand (A>T on the coding strand, the complement: KIAA1549 is on the minus strand). VCF-style: chr7-138899062-T-A. GRCh37 (hg19) VCF-style: chr7-138583808-T-A.
Other names: c.3740A>T, p.Asp1247Val (NM_020910.3); short protein forms D1247V.
Identifiers: ClinVar variation 861352 (VCV000861352.7), dbSNP rs370733502, ClinGen allele CA4506120.

ClinVar aggregate classification (germline): Uncertain significance. Review status: criteria provided, multiple submitters, no conflicts (2 of 4 stars). 3 submissions from 3 submitters: Uncertain significance (3). Last evaluated 2022-11-15.

Conditions:
Inborn genetic diseases. Identifiers: MedGen C0950123, MeSH D030342.

Allele frequency attached by ClinVar (database versions not stated): gnomAD exomes 0.00005; ExAC 0.00006; ESP Exome Variant Server 0.00008; gnomAD 0.00011; TOPMed 0.00014; 1000 Genomes Project 30x 0.00031; 1000 Genomes Project 0.00040.
gnomAD v4.1: 44 of 1,613,802 alleles (0.0027%); highest among the groups gnomAD compares: African/African-American, 0.041%; no homozygotes.

Submissions (3):

Blueprint Genetics
Classification: Uncertain significance. Last evaluated: 2022-11-15. Review status: criteria provided, single submitter. Criteria: ACMG Guidelines, 2015. Collection method: clinical testing. Allele origin: germline.

Ambry Genetics
Classification: Uncertain significance for Inborn genetic diseases. Last evaluated: 2022-11-08. Review status: criteria provided, single submitter. Criteria: Ambry Variant Classification Scheme 2023. Collection method: clinical testing. Allele origin: germline.

Labcorp Genetics (formerly Invitae), Labcorp
Classification: Uncertain significance. Last evaluated: 2022-10-03. Review status: criteria provided, single submitter. Criteria: Invitae Variant Classification Sherloc (09022015). Collection method: clinical testing. Allele origin: germline.
Comment: This sequence change replaces aspartic acid, which is acidic and polar, with valine, which is neutral and non-polar, at codon 1247 of the KIAA1549 protein (p.Asp1247Val). This variant is present in population databases (rs370733502, gnomAD 0.05%). This variant has not been reported in the literature in individuals affected with KIAA1549-related conditions. ClinVar contains an entry for this variant (Variation ID: 861352). Algorithms developed to predict the effect of missense changes on protein structure and function are either unavailable or do not agree on the potential impact of this missense change (SIFT: "Deleterious"; PolyPhen-2: "Probably Damaging"; Align-GVGD: "Class C0"). In summary, the available evidence is currently insufficient to determine the role of this variant in disease. Therefore, it has been classified as a Variant of Uncertain Significance.